The following is an entry in ClinVar:

ClinVar aggregate classification (germline): Uncertain significance (1 of 4 stars; one submission).

gnomAD v4.1: 3 of 1,596,080 alleles (0.00019%); highest among the groups gnomAD compares: Admixed American, 0.0017%; no homozygotes.

Submission:

Ambry Genetics
Classification: Uncertain significance. Last evaluated: 2025-01-30. Review status: criteria provided, single submitter. Criteria: Ambry Variant Classification Scheme 2023. Collection method: clinical testing. Allele origin: germline.
Comment: The p.H230Q variant (also known as c.690C>A), located in coding exon 3 of the GFI1 gene, results from a C to A substitution at nucleotide position 690. The histidine at codon 230 is replaced by glutamine, an amino acid with highly similar properties. This amino acid position is conserved. In addition, this alteration is predicted to be tolerated by in silico analysis. Based on the available evidence, the clinical significance of this variant remains unclear.

NM_005263.5(GFI1):c.690C>A (p.His230Gln)

Gene: GFI1 (growth factor independent 1 transcriptional repressor; minus strand). Cytogenetic location: 1p22.1.
Variant type: single nucleotide variant.
Coding change: c.690C>A on transcript NM_005263.5 (MANE Select); coding-DNA position 690, C replaced by A.
Protein change: p.His230Gln; replaces histidine 230 with glutamine.
Molecular consequence: missense variant.
Genome position (GRCh38, 1-based): chr1:92,480,697, G>T on the plus strand (C>A on the coding strand, the complement: GFI1 is on the minus strand). VCF-style: chr1-92480697-G-T. GRCh37 (hg19) VCF-style: chr1-92946254-G-T.
Other names: c.690C>A, p.His230Gln (NM_001127215.3, NM_001127216.3); short protein forms H230Q.
Identifiers: ClinVar variation 2617070 (VCV002617070.3), dbSNP rs753906711, ClinGen allele CA341149282.